The following is an entry in ClinVar:

NM_014727.3(KMT2B):c.6409C>G (p.Pro2137Ala)

Gene: KMT2B (lysine methyltransferase 2B; plus strand). Cytogenetic location: 19q13.12.
Variant type: single nucleotide variant.
Coding change: c.6409C>G on transcript NM_014727.3 (MANE Select); coding-DNA position 6409, C replaced by G.
Protein change: p.Pro2137Ala; replaces proline 2137 with alanine.
Molecular consequence: missense variant.
Genome position (GRCh38, 1-based): chr19:35,732,958, C>G. VCF-style: chr19-35732958-C-G. GRCh37 (hg19) VCF-style: chr19-36223859-C-G.
Other names: short protein forms P2137A.
Identifiers: ClinVar variation 1712128 (VCV001712128.2), dbSNP rs778657853, ClinGen allele CA405428345.
Genomic context (GRCh38, chr19:35,732,958, plus strand): 5'-GTGTTGAAGAACCTAGGGGGTCCTGGGGATGGAGGTGCTGGCCCTAGAGAGGAGTCACTC[C>G]CCCCGGCGCCTCCCCTGGCTAATGGCAGCCAGCCCTCCCAAGGCCTGACCGCCAGCCCAG-3'
Protein context (NP_055542.1, residues 2127-2147): GGAGPREESL[Pro2137Ala]PAPPLANGSQ

ClinVar aggregate classification (germline): Uncertain significance (1 of 4 stars; one submission).

gnomAD v4.1: 2 of 1,605,272 alleles (0.00012%); highest among the groups gnomAD compares: Non-Finnish European, 0.000085%; no homozygotes.

Submission:

GeneDx
Classification: Uncertain significance. Last evaluated: 2022-04-18. Review status: criteria provided, single submitter. Criteria: GeneDx Variant Classification Process June 2021. Collection method: clinical testing. Allele origin: germline. Affected: yes.
Comment: Not observed at significant frequency in large population cohorts (gnomAD); In silico analysis supports that this missense variant does not alter protein structure/function; Has not been previously published as pathogenic or benign to our knowledge